The following is an entry in ClinVar:

NM_001267550.2(TTN):c.76736A>G (p.Tyr25579Cys)

Genes: TTN (titin; minus strand), TTN-AS1 (TTN antisense RNA 1; plus strand). Cytogenetic location: 2q31.2.
Variant type: single nucleotide variant.
Coding change: c.76736A>G on transcript NM_001267550.2 (MANE Select); coding-DNA position 76736, A replaced by G.
Protein change: p.Tyr25579Cys; replaces tyrosine 25579 with cysteine.
Molecular consequence: missense variant.
Genome position (GRCh38, 1-based): chr2:178,569,396, T>C on the plus strand (A>G on the coding strand, the complement: TTN is on the minus strand). VCF-style: chr2-178569396-T-C. GRCh37 (hg19) VCF-style: chr2-179434123-T-C.
Other names: c.71813A>G, p.Tyr23938Cys (NM_001256850.1); c.49541A>G, p.Tyr16514Cys (NM_003319.4); c.69032A>G, p.Tyr23011Cys (NM_133378.4); c.49916A>G, p.Tyr16639Cys (NM_133432.3); c.50117A>G, p.Tyr16706Cys (NM_133437.4); short protein forms Y16514C, Y16639C, Y23011C, Y25579C, Y16706C, Y23938C.
Identifiers: ClinVar variation 3731131 (VCV003731131.1).

ClinVar aggregate classification (germline): Uncertain significance (1 of 4 stars; one submission).

gnomAD v4.1: 5 of 1,613,262 alleles (0.00031%); highest among the groups gnomAD compares: African/African-American, 0.004%; no homozygotes.

Submission:

GeneDx
Classification: Uncertain significance. Last evaluated: 2024-08-13. Review status: criteria provided, single submitter. Criteria: GeneDx Variant Classification Process June 2021. Collection method: clinical testing. Allele origin: germline. Affected: yes.
Comment: Not observed at significant frequency in large population cohorts (gnomAD); Missense variant in a gene in which most reported pathogenic variants are truncating/loss of function; Has not been previously published as pathogenic or benign to our knowledge